The following is an entry in ClinVar:

ClinVar aggregate classification (germline): Benign/Likely benign. Review status: criteria provided, multiple submitters, no conflicts (2 of 4 stars). 8 submissions from 8 submitters: Benign (1); Likely benign (7). Last evaluated 2026-01-28.

Conditions:
Hereditary cancer-predisposing syndrome. Also called: Tumor predisposition; Hereditary Cancer Syndrome; Hereditary neoplastic syndrome; Neoplastic Syndromes, Hereditary. Identifiers: Orphanet 140162, MedGen C0027672, MeSH D009386, MONDO:0015356.
Familial cancer of breast. Also called: BREAST CANCER, FAMILIAL; Hereditary breast cancer; hereditary breast carcinoma. Identifiers: Orphanet 227535, MedGen C0346153, MONDO:0016419, OMIM 114480. Disease mechanism: loss of function.

Allele frequency attached by ClinVar (database versions not stated): gnomAD 0.00001; gnomAD exomes 0.00001 and 0.00002; TOPMed 0.00002; ExAC 0.00004.
gnomAD v4.1: 22 of 1,613,858 alleles (0.0014%); highest among the groups gnomAD compares: Admixed American, 0.0033%; no homozygotes.

Submissions (8):

Labcorp Genetics (formerly Invitae), Labcorp
Classification: Likely benign for Familial cancer of breast. Last evaluated: 2026-01-28. Review status: criteria provided, single submitter. Criteria: Invitae Variant Classification Sherloc (09022015). Collection method: clinical testing. Allele origin: germline.

Myriad Genetics, Inc.
Classification: Benign for Familial cancer of breast. Last evaluated: 2024-07-25. Review status: criteria provided, single submitter. Criteria: Myriad Autosomal Dominant, Autosomal Recessive and X-Linked Classification Criteria (2023). Collection method: clinical testing. Allele origin: unknown.
Comment: This variant is considered benign. This variant is a silent/synonymous amino acid change and it is not expected to impact splicing.

Women's Health and Genetics/Laboratory Corporation of America, LabCorp
Classification: Likely benign. Last evaluated: 2024-04-20. Review status: criteria provided, single submitter. Criteria: LabCorp Variant Classification Summary - May 2015. Collection method: clinical testing. Allele origin: germline.

Quest Diagnostics Nichols Institute San Juan Capistrano
Classification: Likely benign. Last evaluated: 2023-05-18. Review status: criteria provided, single submitter. Criteria: Quest Diagnostics criteria. Collection method: clinical testing. Allele origin: unknown.

Sema4
Classification: Likely benign for Hereditary cancer-predisposing syndrome. Last evaluated: 2020-09-15. Review status: criteria provided, single submitter. Criteria: Sema4 Curation Guidelines. Collection method: curation. Allele origin: germline.

GeneDx
Classification: Likely benign. Last evaluated: 2018-09-13. Review status: criteria provided, single submitter. Criteria: GeneDx Variant Classification Process June 2021. Collection method: clinical testing. Allele origin: germline. Affected: yes.

Color Diagnostics, LLC DBA Color Health
Classification: Likely benign for Hereditary cancer-predisposing syndrome. Last evaluated: 2017-02-09. Review status: criteria provided, single submitter. Criteria: ACMG Guidelines, 2015. Collection method: clinical testing. Allele origin: germline.

Ambry Genetics
Classification: Likely benign for Hereditary cancer-predisposing syndrome. Last evaluated: 2016-08-31. Review status: criteria provided, single submitter. Criteria: Ambry Variant Classification Scheme 2023. Collection method: clinical testing. Allele origin: germline.

NM_000465.4(BARD1):c.1470C>T (p.Thr490=)

Gene: BARD1 (BRCA1 associated RING domain 1; minus strand). Cytogenetic location: 2q35.
Variant type: single nucleotide variant.
Coding change: c.1470C>T on transcript NM_000465.4 (MANE Select); coding-DNA position 1470, C replaced by T.
Protein change: p.Thr490=; no amino-acid change (threonine 490 retained).
Molecular consequence: synonymous variant. On other transcripts: non-coding transcript variant (3), intron variant (3).
Genome position (GRCh38, 1-based): chr2:214,767,580, G>A on the plus strand (C>T on the coding strand, the complement: BARD1 is on the minus strand). VCF-style: chr2-214767580-G-A. GRCh37 (hg19) VCF-style: chr2-215632304-G-A.
Other names: c.1413C>T, p.Thr471= (NM_001282543.2); c.159-15025C>T (NM_001282548.2); c.216-15025C>T (NM_001282545.2); c.364+24717C>T (NM_001282549.2).
Identifiers: ClinVar variation 184172 (VCV000184172.25), dbSNP rs758895846, ClinGen allele CA188059.